The following is an entry in ClinVar:

NM_018124.4(RFWD3):c.1339G>A (p.Ala447Thr)

Gene: RFWD3 (ring finger and WD repeat domain 3; minus strand). Cytogenetic location: 16q23.1.
Variant type: single nucleotide variant.
Coding change: c.1339G>A on transcript NM_018124.4 (MANE Select); coding-DNA position 1339, G replaced by A.
Protein change: p.Ala447Thr; replaces alanine 447 with threonine.
Molecular consequence: missense variant.
Genome position (GRCh38, 1-based): chr16:74,636,433, C>T on the plus strand (G>A on the coding strand, the complement: RFWD3 is on the minus strand). VCF-style: chr16-74636433-C-T. GRCh37 (hg19) VCF-style: chr16-74670331-C-T.
Other names: c.1339G>A, p.Ala447Thr (NM_001370534.1, NM_001370535.1, NM_001370536.1); c.505G>A, p.Ala169Thr (NM_001370537.1, NM_001370539.1, NM_001370540.1 and 3 more transcripts); short protein forms A169T, A447T.
Identifiers: ClinVar variation 2101245 (VCV002101245.4), dbSNP rs2543993199, ClinGen allele CA396761695.

ClinVar aggregate classification (germline): Uncertain significance (1 of 4 stars; one submission).

Submission:

Labcorp Genetics (formerly Invitae), Labcorp
Classification: Uncertain significance. Last evaluated: 2024-09-06. Review status: criteria provided, single submitter. Criteria: Invitae Variant Classification Sherloc (09022015). Collection method: clinical testing. Allele origin: germline.
Comment: This sequence change replaces alanine, which is neutral and non-polar, with threonine, which is neutral and polar, at codon 447 of the RFWD3 protein (p.Ala447Thr). This variant is not present in population databases (gnomAD no frequency). This variant has not been reported in the literature in individuals affected with RFWD3-related conditions. ClinVar contains an entry for this variant (Variation ID: 2101245). An algorithm developed to predict the effect of missense changes on protein structure and function outputs the following: PolyPhen-2: "Benign". The threonine amino acid residue is found in multiple mammalian species, which suggests that this missense change does not adversely affect protein function. In summary, the available evidence is currently insufficient to determine the role of this variant in disease. Therefore, it has been classified as a Variant of Uncertain Significance.